The following is an entry in ClinVar:

NM_019886.4(CHST7):c.878G>T (p.Gly293Val)

Genes: CHST7 (carbohydrate sulfotransferase 7; plus strand), LOC130068191 (ATAC-STARR-seq lymphoblastoid silent region 20790; plus strand). Cytogenetic location: Xp11.3.
Variant type: single nucleotide variant.
Coding change: c.878G>T on transcript NM_019886.4 (MANE Select); coding-DNA position 878, G replaced by T.
Protein change: p.Gly293Val; replaces glycine 293 with valine.
Molecular consequence: missense variant.
Genome position (GRCh38, 1-based): chrX:46,574,809, G>T. VCF-style: chrX-46574809-G-T. GRCh37 (hg19) VCF-style: chrX-46434244-G-T.
Other names: short protein forms G293V.
Identifiers: ClinVar variation 2660382 (VCV002660382.24), dbSNP rs2519300405, ClinGen allele CA413027032.

ClinVar aggregate classification (germline): Uncertain significance (1 of 4 stars; one submission).

Submission:

CeGaT Center for Human Genetics Tuebingen
Classification: Uncertain significance. Last evaluated: 2023-06-01. Review status: criteria provided, single submitter. Criteria: CeGaT Center For Human Genetics Tuebingen Variant Classification Criteria Version 2. Collection method: clinical testing. Allele origin: germline. Affected: yes. Observed: 1 variant allele.
Comment: CHST7: PM2, PP3